The following is an entry in ClinVar:

NM_014317.5(PDSS1):c.124G>A (p.Ala42Thr)

Gene: PDSS1 (decaprenyl diphosphate synthase subunit 1; plus strand). Cytogenetic location: 10p12.1.
Variant type: single nucleotide variant.
Coding change: c.124G>A on transcript NM_014317.5 (MANE Select); coding-DNA position 124, G replaced by A.
Protein change: p.Ala42Thr; replaces alanine 42 with threonine.
Molecular consequence: missense variant. On other transcripts: 5 prime UTR variant (1).
Genome position (GRCh38, 1-based): chr10:26,697,835, G>A. VCF-style: chr10-26697835-G-A. GRCh37 (hg19) VCF-style: chr10-26986764-G-A.
Other names: c.124G>A, p.Ala42Thr (NM_001321978.2); c.-470G>A (NM_001321979.2); short protein forms A42T.
Identifiers: ClinVar variation 1937637 (VCV001937637.5), dbSNP rs1834914924, ClinGen allele CA376489020.

ClinVar aggregate classification (germline): Uncertain significance (1 of 4 stars; one submission).

Allele frequency attached by ClinVar (database versions not stated): TOPMed below 0.00001; gnomAD 0.00001.
gnomAD v4.1: 8 of 1,338,392 alleles (0.0006%); highest among the groups gnomAD compares: Non-Finnish European, 0.00077%; no homozygotes.

Submission:

Labcorp Genetics (formerly Invitae), Labcorp
Classification: Uncertain significance. Last evaluated: 2022-06-07. Review status: criteria provided, single submitter. Criteria: Invitae Variant Classification Sherloc (09022015). Collection method: clinical testing. Allele origin: germline.
Comment: Algorithms developed to predict the effect of missense changes on protein structure and function output the following: SIFT: "Not Available"; PolyPhen-2: "Benign"; Align-GVGD: "Not Available". The threonine amino acid residue is found in multiple mammalian species, which suggests that this missense change does not adversely affect protein function. In summary, the available evidence is currently insufficient to determine the role of this variant in disease. Therefore, it has been classified as a Variant of Uncertain Significance. This variant has not been reported in the literature in individuals affected with PDSS1-related conditions. This variant is not present in population databases (gnomAD no frequency). This sequence change replaces alanine, which is neutral and non-polar, with threonine, which is neutral and polar, at codon 42 of the PDSS1 protein (p.Ala42Thr).